The following is an entry in ClinVar:

NM_138576.4(BCL11B):c.1577T>C (p.Leu526Pro)

Gene: BCL11B (BCL11 transcription factor B; minus strand). Cytogenetic location: 14q32.2.
Variant type: single nucleotide variant.
Coding change: c.1577T>C on transcript NM_138576.4 (MANE Select); coding-DNA position 1577, T replaced by C.
Protein change: p.Leu526Pro; replaces leucine 526 with proline.
Molecular consequence: missense variant.
Genome position (GRCh38, 1-based): chr14:99,175,259, A>G on the plus strand (T>C on the coding strand, the complement: BCL11B is on the minus strand). VCF-style: chr14-99175259-A-G. GRCh37 (hg19) VCF-style: chr14-99641596-A-G.
Other names: c.1574T>C, p.Leu525Pro (NM_001282237.2); c.1361T>C, p.Leu454Pro (NM_001282238.2); c.1364T>C, p.Leu455Pro (NM_022898.3); short protein forms L525P, L455P, L454P, L526P.
Identifiers: ClinVar variation 4746858 (VCV004746858.1).
Genomic context (GRCh38, chr14:99,175,259, plus strand): 5'-AGTAGCAGCTCCTCCTCCTCCTCCTCCTCCTCCTCGTCCTCCTCCTCCGGCTCGTGGCCC[A>G]GCGACGGGTCGCTCTCGTGGTGGCGGAAGTCACCGTCGGCCGCCTTGAGGCCCTCGCCCG-3'
Protein context (NP_612808.1, residues 516-536): DFRHHESDPS[Leu526Pro]GHEPEEEDEE

ClinVar aggregate classification (germline): Uncertain significance (1 of 4 stars; one submission).

Submission:

Labcorp Genetics (formerly Invitae), Labcorp
Classification: Uncertain significance. Last evaluated: 2025-03-22. Review status: criteria provided, single submitter. Criteria: Invitae Variant Classification Sherloc (09022015). Collection method: clinical testing. Allele origin: germline.
Comment: This sequence change replaces leucine, which is neutral and non-polar, with proline, which is neutral and non-polar, at codon 526 of the BCL11B protein (p.Leu526Pro). This variant is not present in population databases (gnomAD no frequency). This variant has not been reported in the literature in individuals affected with BCL11B-related conditions. Invitae Evidence Modeling of protein sequence and biophysical properties (such as structural, functional, and spatial information, amino acid conservation, physicochemical variation, residue mobility, and thermodynamic stability) indicates that this missense variant is not expected to disrupt BCL11B protein function with a negative predictive value of 95%. In summary, the available evidence is currently insufficient to determine the role of this variant in disease. Therefore, it has been classified as a Variant of Uncertain Significance.